The following is an entry in ClinVar:

NM_001170629.2(CHD8):c.85A>G (p.Thr29Ala)

Gene: CHD8 (chromodomain helicase DNA binding protein 8; minus strand). Cytogenetic location: 14q11.2.
Variant type: single nucleotide variant.
Coding change: c.85A>G on transcript NM_001170629.2 (MANE Select); coding-DNA position 85, A replaced by G.
Protein change: p.Thr29Ala; replaces threonine 29 with alanine.
Molecular consequence: missense variant. On other transcripts: intron variant (1).
Genome position (GRCh38, 1-based): chr14:21,431,559, T>C on the plus strand (A>G on the coding strand, the complement: CHD8 is on the minus strand). VCF-style: chr14-21431559-T-C. GRCh37 (hg19) VCF-style: chr14-21899718-T-C.
Other names: c.85A>G (NM_001170629.1); c.6+252A>G (NM_020920.4); short protein forms T29A.
Identifiers: ClinVar variation 2041459 (VCV002041459.7), dbSNP rs780546588, ClinGen allele CA7091984.

ClinVar aggregate classification (germline): Likely benign. Review status: criteria provided, multiple submitters, no conflicts (2 of 4 stars). 3 submissions from 3 submitters: Likely benign (3). Last evaluated 2026-04-01.

Conditions:
Inborn genetic diseases. Identifiers: MedGen C0950123, MeSH D030342.

Allele frequency attached by ClinVar (database versions not stated): gnomAD 0.00003; TOPMed 0.00005; ExAC 0.00006.

Submissions (3):

CeGaT Center for Human Genetics Tuebingen
Classification: Likely benign. Last evaluated: 2026-04-01. Review status: criteria provided, single submitter. Criteria: CeGaT Center For Human Genetics Tuebingen Variant Classification Criteria Version 2. Collection method: clinical testing. Allele origin: germline. Affected: yes. Observed: 1 variant allele.
Comment: CHD8: BS2

Labcorp Genetics (formerly Invitae), Labcorp
Classification: Likely benign. Last evaluated: 2026-01-01. Review status: criteria provided, single submitter. Criteria: Invitae Variant Classification Sherloc (09022015). Collection method: clinical testing. Allele origin: germline.

Ambry Genetics
Classification: Likely benign for Inborn genetic diseases. Last evaluated: 2025-11-27. Review status: criteria provided, single submitter. Criteria: Ambry Variant Classification Scheme 2023. Collection method: clinical testing. Allele origin: germline.